The following is an entry in ClinVar:

ClinVar aggregate classification (germline): Uncertain significance (1 of 4 stars; one submission).

Conditions:
Pierson syndrome. Also called: MICROCORIA-CONGENITAL NEPHROTIC SYNDROME. Identifiers: Orphanet 2670, MedGen C1836876, MONDO:0012184, OMIM 609049.
LAMB2-related infantile-onset nephrotic syndrome. Also called: NEPHROTIC SYNDROME, TYPE 5, WITHOUT OCULAR ABNORMALITIES; NEPHROTIC SYNDROME, TYPE 5, WITH OCULAR ABNORMALITIES; Nephrotic Syndrome, type 5. Identifiers: Orphanet 306507, MedGen C3280113, MONDO:0013621, OMIM 614199.

Submission:

Labcorp Genetics (formerly Invitae), Labcorp
Classification: Uncertain significance for LAMB2-related infantile-onset nephrotic syndrome; Pierson syndrome. Last evaluated: 2022-02-19. Review status: criteria provided, single submitter. Criteria: Invitae Variant Classification Sherloc (09022015). Collection method: clinical testing. Allele origin: germline.
Comment: In summary, the available evidence is currently insufficient to determine the role of this variant in disease. Therefore, it has been classified as a Variant of Uncertain Significance. Algorithms developed to predict the effect of missense changes on protein structure and function (SIFT, PolyPhen-2, Align-GVGD) all suggest that this variant is likely to be disruptive. This variant has not been reported in the literature in individuals affected with LAMB2-related conditions. This variant is not present in population databases (gnomAD no frequency). This sequence change replaces alanine, which is neutral and non-polar, with glycine, which is neutral and non-polar, at codon 1142 of the LAMB2 protein (p.Ala1142Gly).

NM_002292.4(LAMB2):c.3425C>G (p.Ala1142Gly)

Gene: LAMB2 (laminin subunit beta 2; minus strand). Cytogenetic location: 3p21.31.
Variant type: single nucleotide variant.
Coding change: c.3425C>G on transcript NM_002292.4 (MANE Select); coding-DNA position 3425, C replaced by G.
Protein change: p.Ala1142Gly; replaces alanine 1142 with glycine.
Molecular consequence: missense variant.
Genome position (GRCh38, 1-based): chr3:49,124,100, G>C on the plus strand (C>G on the coding strand, the complement: LAMB2 is on the minus strand). VCF-style: chr3-49124100-G-C. GRCh37 (hg19) VCF-style: chr3-49161533-G-C.
Other names: short protein forms A1142G.
Identifiers: ClinVar variation 2084954 (VCV002084954.4), dbSNP rs759061848, ClinGen allele CA74479392.